The following is an entry in ClinVar:

NM_138554.5(TLR4):c.2288G>A (p.Arg763His)

Gene: TLR4 (toll like receptor 4; plus strand). Cytogenetic location: 9q33.1.
Variant type: single nucleotide variant.
Coding change: c.2288G>A on transcript NM_138554.5 (MANE Select); coding-DNA position 2288, G replaced by A.
Protein change: p.Arg763His; replaces arginine 763 with histidine.
Molecular consequence: missense variant.
Genome position (GRCh38, 1-based): chr9:117,714,416, G>A. VCF-style: chr9-117714416-G-A. GRCh37 (hg19) VCF-style: chr9-120476694-G-A.
Other names: c.2168G>A, p.Arg723His (NM_003266.4); c.1688G>A, p.Arg563His (NM_138557.3); short protein forms R563H, R723H, R763H.
Identifiers: ClinVar variation 1284920 (VCV001284920.12), dbSNP rs5030723, ClinGen allele CA5212506.
Genomic context (GRCh38, chr9:117,714,416, plus strand): 5'-AGAGCCGCTGGTGTATCTTTGAATATGAGATTGCTCAGACCTGGCAGTTTCTGAGCAGTC[G>A]TGCTGGTATCATCTTCATTGTCCTGCAGAAGGTGGAGAAGACCCTGCTCAGGCAGCAGGT-3'
Protein context (NP_612564.1, residues 753-773): IAQTWQFLSS[Arg763His]AGIIFIVLQK

ClinVar aggregate classification (germline): Likely benign. Review status: criteria provided, single submitter (1 of 4 stars). 3 submissions from 3 submitters: Likely benign (1). 2 of the submissions do not count toward it. Last evaluated 2025-04-01.

Allele frequency attached by ClinVar (database versions not stated): 1000 Genomes Project 0.00100; 1000 Genomes Project 30x 0.00109; ExAC 0.00117; ESP Exome Variant Server 0.00185.

Submissions (3):

CeGaT Center for Human Genetics Tuebingen
Classification: Likely benign. Last evaluated: 2025-04-01. Review status: criteria provided, single submitter. Criteria: CeGaT Center For Human Genetics Tuebingen Variant Classification Criteria Version 2. Collection method: clinical testing. Allele origin: germline. Affected: yes. Observed: 1 variant allele.
Comment: TLR4: BP4, BS2

Clinical Genetics DNA and cytogenetics Diagnostics Lab, Erasmus MC, Erasmus Medical Center
Classification: Likely benign. Review status: no assertion criteria provided. Collection method: clinical testing. Allele origin: germline. Affected: yes. Study: VKGL Data-share Consensus. Not counted in ClinVar's aggregate classification.

Genome Diagnostics Laboratory, University Medical Center Utrecht
Classification: Likely benign. Review status: no assertion criteria provided. Collection method: clinical testing. Allele origin: germline. Affected: yes. Study: VKGL Data-share Consensus. Not counted in ClinVar's aggregate classification.